The following is an entry in ClinVar:

ClinVar aggregate classification (germline): Benign (1 of 4 stars; one submission).

Conditions:
Focal segmental glomerulosclerosis 2 (FSGS2). Identifiers: Orphanet 656, MedGen C1858915, MONDO:0011390, OMIM 603965.

Allele frequency attached by ClinVar (database versions not stated): gnomAD exomes 0.00061; gnomAD 0.00835 and 0.00885; TOPMed 0.00958; 1000 Genomes Project 0.01058; 1000 Genomes Project 30x 0.01124.
gnomAD v4.1: 1,262 of 157,426 alleles (0.8%); highest among the groups gnomAD compares: African/African-American, 2.7%; 17 homozygotes.

Submission:

Illumina Laboratory Services, Illumina
Classification: Benign for Focal segmental glomerulosclerosis 2. Last evaluated: 2018-01-13. Review status: criteria provided, single submitter. Criteria: ICSL Variant Classification Criteria 13 December 2019. Collection method: clinical testing. Allele origin: germline.
Comment: This variant was observed in the ICSL laboratory as part of a predisposition screen in an ostensibly healthy population. It had not been previously curated by ICSL or reported in the Human Gene Mutation Database (HGMD: prior to June 1st, 2018), and was therefore a candidate for classification through an automated scoring system. Utilizing variant allele frequency, disease prevalence and penetrance estimates, and inheritance mode, an automated score was calculated to assess if this variant is too frequent to cause the disease. Based on the score and internal cut-off values, a variant classified as benign is not then subjected to further curation. The score for this variant resulted in a classification of benign for this disease.

NM_004621.6(TRPC6):c.*530T>C

Gene: TRPC6 (transient receptor potential cation channel subfamily C member 6; minus strand). Cytogenetic location: 11q22.1.
Variant type: single nucleotide variant.
Coding change: c.*530T>C on transcript NM_004621.6 (MANE Select); 530 bases downstream of the stop codon, T replaced by C.
Molecular consequence: 3 prime UTR variant.
Genome position (GRCh38, 1-based): chr11:101,452,425, A>G on the plus strand (T>C on the coding strand, the complement: TRPC6 is on the minus strand). VCF-style: chr11-101452425-A-G. GRCh37 (hg19) VCF-style: chr11-101323156-A-G.
Identifiers: ClinVar variation 301888 (VCV000301888.5), dbSNP rs112916171, ClinGen allele CA10637232.
Genomic context (GRCh38, chr11:101,452,425, plus strand): 5'-CAAATAGATGAATCAGAAAATTTTACATAGATGTAAGACCATTTTGTATGAACGGTATCA[A>G]TCATGTGCATTGAGGGATAAGTAGGGTAAATGGTGTTTAAACAGCATTCTAAAGAAAGGA-3'